The following is an entry in ClinVar:

ClinVar aggregate classification (germline): Likely benign. Review status: criteria provided, multiple submitters, no conflicts (2 of 4 stars). 2 submissions from 2 submitters: Likely benign (2). Last evaluated 2022-12-06.

Allele frequency attached by ClinVar (database versions not stated): gnomAD 0.00003; TOPMed 0.00004.
gnomAD v4.1: 182 of 1,610,942 alleles (0.011%); highest among the groups gnomAD compares: Non-Finnish European, 0.015%; no homozygotes.

Submissions (2):

Labcorp Genetics (formerly Invitae), Labcorp
Classification: Likely benign. Last evaluated: 2022-12-06. Review status: criteria provided, single submitter. Criteria: Invitae Variant Classification Sherloc (09022015). Collection method: clinical testing. Allele origin: germline.

GeneDx
Classification: Likely benign. Last evaluated: 2018-03-20. Review status: criteria provided, single submitter. Criteria: GeneDx Variant Classification (06012015). Collection method: clinical testing. Allele origin: germline. Affected: yes.
Comment: This variant is considered likely benign or benign based on one or more of the following criteria: it is a conservative change, it occurs at a poorly conserved position in the protein, it is predicted to be benign by multiple in silico algorithms, and/or has population frequency not consistent with disease.

NM_004817.4(TJP2):c.61-7A>G

Gene: TJP2 (tight junction protein 2; plus strand). Cytogenetic location: 9q21.11.
Variant type: single nucleotide variant.
Coding change: c.61-7A>G on transcript NM_004817.4 (MANE Select); 7 bases into the intron before coding-DNA position 61, A replaced by G.
Molecular consequence: intron variant.
Genome position (GRCh38, 1-based): chr9:69,212,541, A>G. VCF-style: chr9-69212541-A-G. GRCh37 (hg19) VCF-style: chr9-71827457-A-G.
Other names: c.-9-7A>G (NM_001170414.2, NM_001369870.1, NM_001369871.1); c.61-7A>G (NM_201629.3, NM_001369872.1, NM_001369873.1); c.73-7A>G (NM_001170415.1, NM_001369875.1, NM_001369874.1); c.154-7A>G (NM_001170416.2).
Identifiers: ClinVar variation 680231 (VCV000680231.8), dbSNP rs755087942, ClinGen allele CA5072891.
Genomic context (GRCh38, chr9:69,212,541, plus strand): 5'-ATAATTTTATTTCTAGCATTGAAAAGGTTGTGGTTTTCATCAGATTGGTTTTGTTCTTTT[A>G]AAACAGGCCCCAGGCATGGAAGAGCTGATATGGGAACAGTACACTGTGACCCTACAAAAG-3'